The following is an entry in ClinVar:

NM_014270.5(SLC7A9):c.466G>A (p.Ala156Thr)

Gene: SLC7A9 (solute carrier family 7 member 9; minus strand). Cytogenetic location: 19q13.11.
Variant type: single nucleotide variant.
Coding change: c.466G>A on transcript NM_014270.5 (MANE Select); coding-DNA position 466, G replaced by A.
Protein change: p.Ala156Thr; replaces alanine 156 with threonine.
Molecular consequence: missense variant.
Genome position (GRCh38, 1-based): chr19:32,864,108, C>T on the plus strand (G>A on the coding strand, the complement: SLC7A9 is on the minus strand). VCF-style: chr19-32864108-C-T. GRCh37 (hg19) VCF-style: chr19-33355014-C-T.
Other names: c.466G>A, p.Ala156Thr (NM_001126335.2, NM_001243036.2); short protein forms A156T.
Identifiers: ClinVar variation 1050084 (VCV001050084.6), dbSNP rs1294879564, ClinGen allele CA405203262.
Genomic context (GRCh38, chr19:32,864,108, plus strand): 5'-CTCTGTGCCAGGTCTTTTCTGACCCCTGCCCTGGGCTCAGGTACTCACAGATGGCGGCGG[C>T]GGCCAGGCATTTCACAACGATTTGAGGAGGCTTGCAGCCCACATAGAAGGGCGCACACAC-3'
Protein context (NP_055085.1, residues 146-166): PPQIVVKCLA[Ala156Thr]AAILFISTVN

ClinVar aggregate classification (germline): Uncertain significance. Review status: criteria provided, multiple submitters, no conflicts (2 of 4 stars). 3 submissions from 3 submitters: Uncertain significance (2). 1 of the submissions does not count toward it. Last evaluated 2024-02-19.

Conditions:
Cystinuria (CSNU). Also called: CYSTINURIA, TYPE I; CYSTINURIA, TYPE II; CYSTINURIA, TYPE III; Cystinuria, non-type I. Identifiers: Orphanet 214, MedGen C0010691, MONDO:0009067, OMIM 220100, HP:0003131.

Allele frequency attached by ClinVar (database versions not stated): gnomAD exomes 0.00001 and 0.00002; gnomAD 0.00002; TOPMed 0.00002.

Submissions (3):

Fulgent Genetics
Classification: Uncertain significance for Cystinuria. Last evaluated: 2024-02-19. Review status: criteria provided, single submitter. Criteria: ACMG Guidelines, 2015. Collection method: clinical testing. Allele origin: germline.

Labcorp Genetics (formerly Invitae), Labcorp
Classification: Uncertain significance. Last evaluated: 2023-10-12. Review status: criteria provided, single submitter. Criteria: Invitae Variant Classification Sherloc (09022015). Collection method: clinical testing. Allele origin: germline.
Comment: This sequence change replaces alanine, which is neutral and non-polar, with threonine, which is neutral and polar, at codon 156 of the SLC7A9 protein (p.Ala156Thr). This variant is present in population databases (no rsID available, gnomAD 0.003%). This variant has not been reported in the literature in individuals affected with SLC7A9-related conditions. ClinVar contains an entry for this variant (Variation ID: 1050084). Advanced modeling of protein sequence and biophysical properties (such as structural, functional, and spatial information, amino acid conservation, physicochemical variation, residue mobility, and thermodynamic stability) performed at Invitae indicates that this missense variant is not expected to disrupt SLC7A9 protein function. In summary, the available evidence is currently insufficient to determine the role of this variant in disease. Therefore, it has been classified as a Variant of Uncertain Significance.

Department of Pathology and Laboratory Medicine, Sinai Health System
Classification: Uncertain significance. Review status: no assertion criteria provided. Collection method: clinical testing. Allele origin: unknown. Affected: yes. Study: The Canadian Open Genetics Repository (COGR). Not counted in ClinVar's aggregate classification.